The following is an entry in ClinVar:

NM_016284.5(CNOT1):c.7007A>C (p.Lys2336Thr)

Genes: CNOT1 (CCR4-NOT transcription complex subunit 1; minus strand), SETD6 (SET domain containing 6, protein lysine methyltransferase; plus strand). Cytogenetic location: 16q21.
Variant type: single nucleotide variant.
Coding change: c.7007A>C on transcript NM_016284.5 (MANE Select); coding-DNA position 7007, A replaced by C.
Protein change: p.Lys2336Thr; replaces lysine 2336 with threonine.
Molecular consequence: missense variant. On other transcripts: non-coding transcript variant (1), 3 prime UTR variant (1).
Genome position (GRCh38, 1-based): chr16:58,521,228, T>G on the plus strand (A>C on the coding strand, the complement: CNOT1 is on the minus strand). VCF-style: chr16-58521228-T-G. GRCh37 (hg19) VCF-style: chr16-58555132-T-G.
Other names: c.6992A>C, p.Lys2331Thr (NM_001265612.2); c.*2199T>G (NM_001160305.4); short protein forms K2331T, K2336T.
Identifiers: ClinVar variation 4083093 (VCV004083093.1).

ClinVar aggregate classification (germline): Uncertain significance (1 of 4 stars; one submission).

gnomAD v4.1: 1 of 1,614,174 alleles (0.000062%); no homozygotes.

Submission:

GeneDx
Classification: Uncertain significance. Last evaluated: 2025-03-12. Review status: criteria provided, single submitter. Criteria: GeneDx Variant Classification Process June 2021. Collection method: clinical testing. Allele origin: germline. Affected: yes.
Comment: Not observed at significant frequency in large population cohorts (gnomAD); In silico analysis supports that this missense variant has a deleterious effect on protein structure/function; Has not been previously published as pathogenic or benign to our knowledge